The following is an entry in ClinVar:

NM_020699.4(GATAD2B):c.562_563del (p.Gln188fs)

Gene: GATAD2B (GATA zinc finger domain containing 2B; minus strand). Cytogenetic location: 1q21.3.
Variant type: Deletion.
Coding change: c.562_563del on transcript NM_020699.4 (MANE Select); coding-DNA positions 562 to 563, 2 bases deleted (CA; older notation c.562_563delCA).
Protein change: p.Gln188fs; shifts the reading frame from glutamine 188.
Molecular consequence: frameshift variant.
Genome position (GRCh38, 1-based): chr1:153,818,825-153,818,826, TG deleted on the plus strand (CA on the coding strand, the reverse complement: GATAD2B is on the minus strand); deleting any 2 consecutive bases within chr1:153,818,825-153,818,827 gives the same sequence; the c. name uses the placement nearest the transcript's 3' end. VCF-style (leftmost placement, unchanged base first): chr1-153818824-CTG-C. GRCh37 (hg19) VCF-style: chr1-153791300-CTG-C.
Other names: short protein forms Q188fs.
Identifiers: ClinVar variation 817498 (VCV000817498.1), dbSNP rs1570929919, ClinGen allele CA16021332.

ClinVar aggregate classification (germline): Pathogenic (1 of 4 stars; one submission).

Submission:

GeneDx
Classification: Pathogenic. Last evaluated: 2019-03-07. Review status: criteria provided, single submitter. Criteria: GeneDx Variant Classification (06012015). Collection method: clinical testing. Allele origin: germline. Affected: yes.
Comment: The c.562_563delCA variant in the GATAD2B gene has not been reported previously as a pathogenic variant nor as a benign variant, to our knowledge. The c.562_563delCA variant causes a frameshift starting with codon Glutamine 188, changes this amino acid to a Glutamic acid residue, and creates a premature Stop codon at position 36 of the new reading frame, denoted p.Gln188GlufsX36. This variant is predicted to cause loss of normal protein function either through protein truncation or nonsense-mediated mRNA decay. The c.562_563delCA variant is not observed in large population cohorts (Lek et al., 2016). We interpret c.562_563delCA as a pathogenic variant.